The following is an entry in ClinVar:

NM_006493.4(CLN5):c.565+20C>T

Gene: CLN5 (CLN5 lysosomal BMP synthase; plus strand). Cytogenetic location: 13q22.3.
Variant type: single nucleotide variant.
Coding change: c.565+20C>T on transcript NM_006493.4 (MANE Select); 20 bases into the intron after coding-DNA position 565, C replaced by T.
Molecular consequence: intron variant.
Genome position (GRCh38, 1-based): chr13:76,996,147, C>T. VCF-style: chr13-76996147-C-T. GRCh37 (hg19) VCF-style: chr13-77570282-C-T.
Other names: c.712+20C>T (LRG_692t1); c.565+20C>T (NM_001366624.2).
Identifiers: ClinVar variation 383259 (VCV000383259.5), dbSNP rs780892019, ClinGen allele CA7007221.
Genomic context (GRCh38, chr13:76,996,147, plus strand): 5'-GAAGGAAAATGGGACATTAGTTCAAGTAGCAACTATATCAGGTAAGTTGTGAAAATATAG[C>T]AATATTTGATCATTGCATCAAAAACCAAATGAAAGAAATTGTTATACTTCCATTGAAACA-3'

ClinVar aggregate classification (germline): Likely benign. Review status: criteria provided, multiple submitters, no conflicts (2 of 4 stars). 2 submissions from 2 submitters: Likely benign (2). Last evaluated 2024-07-20.

Conditions:
Neuronal ceroid lipofuscinosis. Also called: Neuronal Ceroid Lipofuscinoses. Identifiers: Orphanet 216, Orphanet 79263, MedGen C0027877, MONDO:0016295. Disease mechanism: loss of function.

Allele frequency attached by ClinVar (database versions not stated): gnomAD exomes below 0.00001 and 0.00001; TOPMed below 0.00001; ExAC 0.00001.

Submissions (2):

Labcorp Genetics (formerly Invitae), Labcorp
Classification: Likely benign for Neuronal ceroid lipofuscinosis. Last evaluated: 2024-07-20. Review status: criteria provided, single submitter. Criteria: Invitae Variant Classification Sherloc (09022015). Collection method: clinical testing. Allele origin: germline.

GeneDx
Classification: Likely benign. Last evaluated: 2016-02-03. Review status: criteria provided, single submitter. Criteria: GeneDx Variant Classification (06012015). Collection method: clinical testing. Allele origin: germline. Affected: yes.
Comment: This variant is considered likely benign or benign based on one or more of the following criteria: it is a conservative change, it occurs at a poorly conserved position in the protein, it is predicted to be benign by multiple in silico algorithms, and/or has population frequency not consistent with disease.